The following is an entry in ClinVar:

NM_001080.3(ALDH5A1):c.1294A>G (p.Met432Val)

Gene: ALDH5A1 (aldehyde dehydrogenase 5 family member A1; plus strand). Cytogenetic location: 6p22.3.
Variant type: single nucleotide variant.
Coding change: c.1294A>G on transcript NM_001080.3 (MANE Select); coding-DNA position 1294, A replaced by G.
Protein change: p.Met432Val; replaces methionine 432 with valine.
Molecular consequence: missense variant.
Genome position (GRCh38, 1-based): chr6:24,528,117, A>G. VCF-style: chr6-24528117-A-G. GRCh37 (hg19) VCF-style: chr6-24528345-A-G.
Other names: p.Met432Val; c.1150A>G, p.Met384Val (NM_001368954.1); c.1333A>G, p.Met445Val (NM_170740.1); short protein forms M432V, M445V, M384V.
Identifiers: ClinVar variation 573333 (VCV000573333.11), dbSNP rs1561879315, ClinGen allele CA362978731.

ClinVar aggregate classification (germline): Uncertain significance. Review status: criteria provided, multiple submitters, no conflicts (2 of 4 stars). 2 submissions from 2 submitters: Uncertain significance (2). Last evaluated 2024-05-01.

Conditions:
Succinate-semialdehyde dehydrogenase deficiency (SSADHD). Also called: 4-HYDROXYBUTYRIC ACIDURIA; SSADH DEFICIENCY; GABA METABOLIC DEFECT; Succinic Semialdehyde Dehydrogenase Deficiency. Identifiers: Orphanet 22, MedGen C0268631, MONDO:0010083, OMIM 271980.

Allele frequency attached by ClinVar (database versions not stated): gnomAD below 0.00001 and 0.00001.
gnomAD v4.1: 2 of 1,614,006 alleles (0.00012%); highest among the groups gnomAD compares: South Asian, 0.0011%; no homozygotes.

Submissions (2):

Mayo Clinic Laboratories, Mayo Clinic
Classification: Uncertain significance. Last evaluated: 2024-05-01. Review status: criteria provided, single submitter. Criteria: ACMG Guidelines, 2015. Collection method: clinical testing. Allele origin: germline. Observed: 1 variant allele.
Comment: PP3, PM2

Labcorp Genetics (formerly Invitae), Labcorp
Classification: Uncertain significance for Succinate-semialdehyde dehydrogenase deficiency. Last evaluated: 2019-06-21. Review status: criteria provided, single submitter. Criteria: Invitae Variant Classification Sherloc (09022015). Collection method: clinical testing. Allele origin: germline.
Comment: In summary, the available evidence is currently insufficient to determine the role of this variant in disease. Therefore, it has been classified as a Variant of Uncertain Significance. Algorithms developed to predict the effect of missense changes on protein structure and function do not agree on the potential impact of this missense change (SIFT: "Tolerated"; PolyPhen-2: "Probably Damaging"; Align-GVGD: "Class C0"). This variant has not been reported in the literature in individuals with ALDH5A1-related disease. This variant is not present in population databases (ExAC no frequency). This sequence change replaces methionine with valine at codon 432 of the ALDH5A1 protein (p.Met432Val). The methionine residue is moderately conserved and there is a small physicochemical difference between methionine and valine.